The following is an entry in ClinVar:

ClinVar aggregate classification (germline): Uncertain significance (1 of 4 stars; one submission).

Conditions:
Cohen syndrome (COH1). Also called: Cutis verticis gyrata, retinitis pigmentosa, and sensorineural deafness; PEPPER SYNDROME. Identifiers: Orphanet 193, MedGen C0265223, MONDO:0008999, OMIM 216550.

Submission:

Labcorp Genetics (formerly Invitae), Labcorp
Classification: Uncertain significance for Cohen syndrome. Last evaluated: 2022-09-27. Review status: criteria provided, single submitter. Criteria: Invitae Variant Classification Sherloc (09022015). Collection method: clinical testing. Allele origin: germline.
Comment: In summary, the available evidence is currently insufficient to determine the role of this variant in disease. Therefore, it has been classified as a Variant of Uncertain Significance. Advanced modeling of protein sequence and biophysical properties (such as structural, functional, and spatial information, amino acid conservation, physicochemical variation, residue mobility, and thermodynamic stability) performed at Invitae indicates that this missense variant is not expected to disrupt VPS13B protein function. This variant has not been reported in the literature in individuals affected with VPS13B-related conditions. This variant is present in population databases (no rsID available, gnomAD 0.007%). This sequence change replaces methionine, which is neutral and non-polar, with leucine, which is neutral and non-polar, at codon 278 of the VPS13B protein (p.Met278Leu).

NM_152564.5(VPS13B):c.832A>T (p.Met278Leu)

Gene: VPS13B (vacuolar protein sorting 13 homolog B; plus strand). Cytogenetic location: 8q22.2.
Variant type: single nucleotide variant.
Coding change: c.832A>T on transcript NM_152564.5 (MANE Select); coding-DNA position 832, A replaced by T.
Protein change: p.Met278Leu; replaces methionine 278 with leucine.
Molecular consequence: missense variant. On other transcripts: non-coding transcript variant (1).
Genome position (GRCh38, 1-based): chr8:99,115,769, A>T. VCF-style: chr8-99115769-A-T. GRCh37 (hg19) VCF-style: chr8-100127997-A-T.
Other names: c.832A>T, p.Met278Leu (NM_015243.3, NM_017890.5, NM_181661.3); short protein forms M278L.
Identifiers: ClinVar variation 2092986 (VCV002092986.4), dbSNP rs1401103611, ClinGen allele CA371860499.
Genomic context (GRCh38, chr8:99,115,769, plus strand): 5'-TTAGTGGAAAGTTTGAAACTTTCTATCACAGATCAACAACTGCCTATGTTTATTCGTATA[A>T]TGCAACTTGGAATTGCTCTTTACTATGGAGAAATAGGCAATTTTAAAGAAGGCGAAATAG-3'
Protein context (NP_689777.3, residues 268-288): DQQLPMFIRI[Met278Leu]QLGIALYYGE